The following is an entry in ClinVar:

NM_006180.6(NTRK2):c.1552A>G (p.Ile518Val)

Gene: NTRK2 (neurotrophic receptor tyrosine kinase 2; plus strand). Cytogenetic location: 9q21.33.
Variant type: single nucleotide variant.
Coding change: c.1552A>G on transcript NM_006180.6 (MANE Select); coding-DNA position 1552, A replaced by G.
Protein change: p.Ile518Val; replaces isoleucine 518 with valine.
Molecular consequence: missense variant.
Genome position (GRCh38, 1-based): chr9:84,867,350, A>G. VCF-style: chr9-84867350-A-G. GRCh37 (hg19) VCF-style: chr9-87482265-A-G.
Other names: c.1504A>G, p.Ile502Val (NM_001018064.3, NM_001018066.3, NM_001369532.1 and 2 more transcripts); c.1552A>G, p.Ile518Val (NM_001018065.2, NM_001369537.1); c.1468A>G, p.Ile490Val (NM_001369534.1); c.1036A>G, p.Ile346Val (NM_001369535.1); c.1084A>G, p.Ile362Val (NM_001369536.1); short protein forms I346V, I362V, I490V, I502V, I518V.
Identifiers: ClinVar variation 3358658 (VCV003358658.1).

ClinVar aggregate classification (germline): Uncertain significance (0 of 4 stars; one submission).

Conditions:
NTRK2-related disorder. Also called: NTRK2-related condition.

gnomAD v4.1: 4 of 1,614,090 alleles (0.00025%); highest among the groups gnomAD compares: East Asian, 0.0045%; no homozygotes.

Submission:

PreventionGenetics, part of Exact Sciences
Classification: Uncertain significance for NTRK2-related condition. Last evaluated: 2024-05-10. Review status: no assertion criteria provided. Collection method: clinical testing. Allele origin: germline.
Comment: The NTRK2 c.1552A>G variant is predicted to result in the amino acid substitution p.Ile518Val. To our knowledge, this variant has not been reported in the literature or in a large population database, indicating this variant is rare. At this time, the clinical significance of this variant is uncertain due to the absence of conclusive functional and genetic evidence.